The following is an entry in ClinVar:

ClinVar aggregate classification (germline): Uncertain significance (1 of 4 stars; one submission).

Allele frequency attached by ClinVar (database versions not stated): gnomAD exomes below 0.00001.
gnomAD v4.1: 2 of 1,614,236 alleles (0.00012%); highest among the groups gnomAD compares: Non-Finnish European, 0.00017%; no homozygotes.

Submission:

Mayo Clinic Laboratories, Mayo Clinic
Classification: Uncertain significance. Last evaluated: 2022-02-11. Review status: criteria provided, single submitter. Criteria: ACMG Guidelines, 2015. Collection method: clinical testing. Allele origin: germline. Observed: 1 variant allele.
Comment: PM2

NM_000136.3(FANCC):c.951G>A (p.Val317=)

Genes: AOPEP (aminopeptidase O (putative); plus strand), FANCC (FA complementation group C; minus strand). Cytogenetic location: 9q22.32.
Variant type: single nucleotide variant.
Coding change: c.951G>A on transcript NM_000136.3 (MANE Select); coding-DNA position 951, G replaced by A.
Protein change: p.Val317=; no amino-acid change (valine 317 retained).
Molecular consequence: synonymous variant.
Genome position (GRCh38, 1-based): chr9:95,125,131, C>T on the plus strand (G>A on the coding strand, the complement: FANCC is on the minus strand). VCF-style: chr9-95125131-C-T. GRCh37 (hg19) VCF-style: chr9-97887413-C-T.
Other names: p.Val317=; c.951G>A, p.Val317= (NM_001243743.2, NM_001243744.2).
Identifiers: ClinVar variation 2683053 (VCV002683053.1), dbSNP rs2134922845, ClinGen allele CA466099751.